The following is an entry in ClinVar:

ClinVar aggregate classification (germline): Pathogenic (1 of 4 stars; one submission).

Conditions:
Baller-Gerold syndrome (BGS). Also called: CRANIOSYNOSTOSIS WITH RADIAL DEFECTS. Identifiers: Orphanet 1225, MedGen C0265308, MONDO:0009039, OMIM 218600.

Submission:

Labcorp Genetics (formerly Invitae), Labcorp
Classification: Pathogenic for Baller-Gerold syndrome. Last evaluated: 2023-03-09. Review status: criteria provided, single submitter. Criteria: Invitae Variant Classification Sherloc (09022015). Collection method: clinical testing. Allele origin: germline.
Comment: This variant has not been reported in the literature in individuals affected with RECQL4-related conditions. For these reasons, this variant has been classified as Pathogenic. This variant is not present in population databases (gnomAD no frequency). This sequence change creates a premature translational stop signal (p.Arg60Alafs*23) in the RECQL4 gene. It is expected to result in an absent or disrupted protein product. Loss-of-function variants in RECQL4 are known to be pathogenic (PMID: 12734318, 12952869).

Literature cited by the submitters: PubMed 12734318; PubMed 12952869.

NM_004260.4(RECQL4):c.178del (p.Arg60fs)

Genes: RECQL4 (RecQ like helicase 4; minus strand), LOC130001411 (ATAC-STARR-seq lymphoblastoid silent region 19699; plus strand). Cytogenetic location: 8q24.3.
Variant type: Deletion.
Coding change: c.178del on transcript NM_004260.4 (MANE Select); coding-DNA position 178, one base deleted (C; older notation c.178delC).
Protein change: p.Arg60fs; shifts the reading frame from arginine 60.
Molecular consequence: frameshift variant. On other transcripts: 5 prime UTR variant (16), non-coding transcript variant (3), intron variant (2).
Genome position (GRCh38, 1-based): chr8:144,517,449, G deleted on the plus strand (C on the coding strand, the reverse complement: RECQL4 is on the minus strand); the first of 2 consecutive G bases (chr8:144,517,449-144,517,450); deleting either gives the same sequence. VCF-style (leftmost placement, unchanged base first): chr8-144517448-CG-C. GRCh37 (hg19) VCF-style: chr8-145742832-CG-C.
Other names: c.178del, p.Arg60fs (NM_001413017.1, NM_001413018.1, NM_001413019.1 and 5 more transcripts); c.-543del (NM_001413021.1); c.-894del (NM_001413022.1, NM_001413023.1, NM_001413037.1 and 2 more transcripts); c.-791del (NM_001413024.1, NM_001413035.1); c.-956del (NM_001413027.1, NM_001413030.1, NM_001413031.1 and 1 more transcripts); c.-619del (NM_001413028.1); c.-853del (NM_001413032.1); c.-798del (NM_001413034.1); and 3 more; short protein forms R60fs.
Identifiers: ClinVar variation 2878742 (VCV002878742.3), dbSNP rs2538122419, ClinGen allele CA2739269109.